The following is an entry in ClinVar:

NM_001903.5(CTNNA1):c.410G>A (p.Arg137Gln)

Gene: CTNNA1 (catenin alpha 1; plus strand). Cytogenetic location: 5q31.2.
Variant type: single nucleotide variant.
Coding change: c.410G>A on transcript NM_001903.5 (MANE Select); coding-DNA position 410, G replaced by A.
Protein change: p.Arg137Gln; replaces arginine 137 with glutamine.
Molecular consequence: missense variant.
Genome position (GRCh38, 1-based): chr5:138,810,146, G>A. VCF-style: chr5-138810146-G-A. GRCh37 (hg19) VCF-style: chr5-138145835-G-A.
Other names: c.410G>A, p.Arg137Gln (NM_001290307.3, NM_001323982.2, NM_001323983.1 and 3 more transcripts); c.101G>A, p.Arg34Gln (NM_001290309.3); c.41G>A, p.Arg14Gln (NM_001290310.3); short protein forms R137Q, R34Q, R14Q.
Identifiers: ClinVar variation 409007 (VCV000409007.17), dbSNP rs374142395, ClinGen allele CA3431438.

ClinVar aggregate classification (germline): Uncertain significance. Review status: criteria provided, multiple submitters, no conflicts (2 of 4 stars). 6 submissions from 6 submitters: Uncertain significance (6). Last evaluated 2025-12-29.

Conditions:
Patterned macular dystrophy 2. Identifiers: Orphanet 99001, MedGen C1837029, MONDO:0012162, OMIM 608970.
Hereditary cancer-predisposing syndrome. Also called: Hereditary neoplastic syndrome; Neoplastic Syndromes, Hereditary; Hereditary Cancer Syndrome; Tumor predisposition. Identifiers: Orphanet 140162, MedGen C0027672, MeSH D009386, MONDO:0015356.

Allele frequency attached by ClinVar (database versions not stated): ExAC 0.00002; gnomAD exomes 0.00002; TOPMed 0.00002; ESP Exome Variant Server 0.00008.
gnomAD v4.1: 35 of 1,614,176 alleles (0.0022%); highest among the groups gnomAD compares: Middle Eastern, 0.016%; no homozygotes.

Submissions (6):

Center for Genomic Medicine, Rigshospitalet, Copenhagen University Hospital
Classification: Uncertain significance. Last evaluated: 2025-12-29. Review status: criteria provided, single submitter. Criteria: ACMG Guidelines, 2015. Collection method: clinical testing. Allele origin: germline.
Comment: Classification criteria: BP4

Labcorp Genetics (formerly Invitae), Labcorp
Classification: Uncertain significance. Last evaluated: 2025-12-10. Review status: criteria provided, single submitter. Criteria: Invitae Variant Classification Sherloc (09022015). Collection method: clinical testing. Allele origin: germline.
Comment: This sequence change replaces arginine, which is basic and polar, with glutamine, which is neutral and polar, at codon 137 of the CTNNA1 protein (p.Arg137Gln). This variant is present in population databases (rs374142395, gnomAD 0.006%). This variant has not been reported in the literature in individuals affected with CTNNA1-related conditions. ClinVar contains an entry for this variant (Variation ID: 409007). Invitae Evidence Modeling of protein sequence and biophysical properties (such as structural, functional, and spatial information, amino acid conservation, physicochemical variation, residue mobility, and thermodynamic stability) indicates that this missense variant is expected to disrupt CTNNA1 protein function with a positive predictive value of 80%. In summary, the available evidence is currently insufficient to determine the role of this variant in disease. Therefore, it has been classified as a Variant of Uncertain Significance.

Ambry Genetics
Classification: Uncertain significance for Hereditary cancer-predisposing syndrome. Last evaluated: 2025-05-08. Review status: criteria provided, single submitter. Criteria: Ambry Variant Classification Scheme 2023. Collection method: clinical testing. Allele origin: germline.
Comment: The p.R137Q variant (also known as c.410G>A), located in coding exon 3 of the CTNNA1 gene, results from a G to A substitution at nucleotide position 410. The arginine at codon 137 is replaced by glutamine, an amino acid with highly similar properties. This amino acid position is well conserved in available vertebrate species. In addition, this alteration is predicted to be tolerated by in silico analysis. Based on the available evidence, the clinical significance of this variant remains unclear.

Blueprint Genetics
Classification: Uncertain significance. Last evaluated: 2024-10-21. Review status: criteria provided, single submitter. Criteria: ACMG Guidelines, 2015. Collection method: clinical testing. Allele origin: germline.

Baylor Genetics
Classification: Uncertain significance for Patterned macular dystrophy 2. Last evaluated: 2023-09-07. Review status: criteria provided, single submitter. Criteria: ACMG Guidelines, 2015. Collection method: clinical testing. Allele origin: unknown.

GeneDx
Classification: Uncertain significance. Last evaluated: 2022-11-28. Review status: criteria provided, single submitter. Criteria: GeneDx Variant Classification Process June 2021. Collection method: clinical testing. Allele origin: germline. Affected: yes.
Comment: In silico analysis supports that this missense variant has a deleterious effect on protein structure/function; Observed in 18/151425 individuals who underwent multigene panel testing (Clark et al., 2020); This variant is associated with the following publications: (PMID: 32051609)

Literature cited by the submitters: PubMed 32051609 (cited by Ambry Genetics).